The following is an entry in ClinVar:

ClinVar aggregate classification (germline): Benign. Review status: criteria provided, single submitter (1 of 4 stars). 2 submissions from 2 submitters: Benign (1). 1 of the submissions does not count toward it. Last evaluated 2026-01-05.

Conditions:
LAMA5-related disorder. Also called: LAMA5-Related Disorders; LAMA5-related condition.

Allele frequency attached by ClinVar (database versions not stated): 1000 Genomes Project 0.00080; gnomAD 0.00011; ExAC 0.00022; 1000 Genomes Project 30x 0.00062.
gnomAD v4.1: 85 of 1,613,046 alleles (0.0053%); highest among the groups gnomAD compares: East Asian, 0.15%; no homozygotes.

Submissions (2):

Labcorp Genetics (formerly Invitae), Labcorp
Classification: Benign. Last evaluated: 2026-01-05. Review status: criteria provided, single submitter. Criteria: Invitae Variant Classification Sherloc (09022015). Collection method: clinical testing. Allele origin: germline.

PreventionGenetics, part of Exact Sciences
Classification: Likely benign for LAMA5-related condition. Last evaluated: 2024-09-04. Review status: no assertion criteria provided. Collection method: clinical testing. Allele origin: germline. Not counted in ClinVar's aggregate classification.
Comment: This variant is classified as likely benign based on ACMG/AMP sequence variant interpretation guidelines (Richards et al. 2015 PMID: 25741868, with internal and published modifications).

NM_005560.6(LAMA5):c.2424C>T (p.Cys808=)

Gene: LAMA5 (laminin subunit alpha 5; minus strand). Cytogenetic location: 20q13.33.
Variant type: single nucleotide variant.
Coding change: c.2424C>T on transcript NM_005560.6 (MANE Select); coding-DNA position 2424, C replaced by T.
Protein change: p.Cys808=; no amino-acid change (cysteine 808 retained).
Molecular consequence: synonymous variant.
Genome position (GRCh38, 1-based): chr20:62,335,079, G>A on the plus strand (C>T on the coding strand, the complement: LAMA5 is on the minus strand). VCF-style: chr20-62335079-G-A. GRCh37 (hg19) VCF-style: chr20-60910135-G-A.
Other names: c.2424C>T (NM_005560.4).
Identifiers: ClinVar variation 2741719 (VCV002741719.4), dbSNP rs202180524, ClinGen allele CA9943443.